The following is an entry in ClinVar:

ClinVar aggregate classification (germline): Uncertain significance (1 of 4 stars; one submission).

Conditions:
Inborn genetic diseases. Identifiers: MedGen C0950123, MeSH D030342.

Submission:

Ambry Genetics
Classification: Uncertain significance for Inborn genetic diseases. Last evaluated: 2025-03-02. Review status: criteria provided, single submitter. Criteria: Ambry Variant Classification Scheme 2023. Collection method: clinical testing. Allele origin: germline.
Comment: The p.A116V variant (also known as c.347C>T), located in coding exon 3 of the SBDS gene, results from a C to T substitution at nucleotide position 347. The alanine at codon 116 is replaced by valine, an amino acid with similar properties. This amino acid position is conserved. In addition, this alteration is predicted to be deleterious by in silico analysis. Based on the available evidence, the clinical significance of this variant remains unclear.

NM_016038.4(SBDS):c.347C>T (p.Ala116Val)

Gene: SBDS (SBDS ribosome maturation factor; minus strand). Cytogenetic location: 7q11.21.
Variant type: single nucleotide variant.
Coding change: c.347C>T on transcript NM_016038.4 (MANE Select); coding-DNA position 347, C replaced by T.
Protein change: p.Ala116Val; replaces alanine 116 with valine.
Molecular consequence: missense variant.
Genome position (GRCh38, 1-based): chr7:66,993,329, G>A on the plus strand (C>T on the coding strand, the complement: SBDS is on the minus strand). VCF-style: chr7-66993329-G-A. GRCh37 (hg19) VCF-style: chr7-66458316-G-A.
Other names: short protein forms A116V.
Identifiers: ClinVar variation 3792752 (VCV003792752.1).
Genomic context (GRCh38, chr7:66,993,329, plus strand): 5'-GCTCTCTCAATAAGGATCACGGTGTATGGTCTCTTTGTTTCAGGATTCACACATTTGTCT[G>A]CCACAATAGTTGCAATGTCCCTAAACATCTGCTCCAGTTGTGTGTGTCTTTCTTTATCTG-3'
Protein context (NP_057122.2, residues 106-126): QMFRDIATIV[Ala116Val]DKCVNPETKR